The following is an entry in ClinVar:

NM_001286577.2(C2CD3):c.441T>A (p.Phe147Leu)

Gene: C2CD3 (C2 domain containing 3 centriole elongation regulator; minus strand). Cytogenetic location: 11q13.4.
Variant type: single nucleotide variant.
Coding change: c.441T>A on transcript NM_001286577.2 (MANE Select); coding-DNA position 441, T replaced by A.
Protein change: p.Phe147Leu; replaces phenylalanine 147 with leucine.
Molecular consequence: missense variant.
Genome position (GRCh38, 1-based): chr11:74,161,441, A>T on the plus strand (T>A on the coding strand, the complement: C2CD3 is on the minus strand). VCF-style: chr11-74161441-A-T. GRCh37 (hg19) VCF-style: chr11-73872486-A-T.
Other names: c.441T>A, p.Phe147Leu (NM_015531.6); short protein forms F147L.
Identifiers: ClinVar variation 3680524 (VCV003680524.2).

ClinVar aggregate classification (germline): Uncertain significance (1 of 4 stars; one submission).

gnomAD v4.1: 4 of 1,599,910 alleles (0.00025%); highest among the groups gnomAD compares: Non-Finnish European, 0.00034%; no homozygotes.

Submission:

Labcorp Genetics (formerly Invitae), Labcorp
Classification: Uncertain significance. Last evaluated: 2024-03-16. Review status: criteria provided, single submitter. Criteria: Invitae Variant Classification Sherloc (09022015). Collection method: clinical testing. Allele origin: germline.
Comment: This sequence change replaces phenylalanine, which is neutral and non-polar, with leucine, which is neutral and non-polar, at codon 147 of the C2CD3 protein (p.Phe147Leu). This variant is not present in population databases (gnomAD no frequency). This variant has not been reported in the literature in individuals affected with C2CD3-related conditions. Advanced modeling of protein sequence and biophysical properties (such as structural, functional, and spatial information, amino acid conservation, physicochemical variation, residue mobility, and thermodynamic stability) performed at Invitae indicates that this missense variant is expected to disrupt C2CD3 protein function with a positive predictive value of 80%. In summary, the available evidence is currently insufficient to determine the role of this variant in disease. Therefore, it has been classified as a Variant of Uncertain Significance.